The following is an entry in ClinVar:

NM_002291.3(LAMB1):c.4730A>C (p.Glu1577Ala)

Gene: LAMB1 (laminin subunit beta 1; minus strand). Cytogenetic location: 7q31.1.
Variant type: single nucleotide variant.
Coding change: c.4730A>C on transcript NM_002291.3 (MANE Select); coding-DNA position 4730, A replaced by C.
Protein change: p.Glu1577Ala; replaces glutamic acid 1577 with alanine.
Molecular consequence: missense variant.
Genome position (GRCh38, 1-based): chr7:107,929,427, T>G on the plus strand (A>C on the coding strand, the complement: LAMB1 is on the minus strand). VCF-style: chr7-107929427-T-G. GRCh37 (hg19) VCF-style: chr7-107569872-T-G.
Other names: short protein forms E1577A.
Identifiers: ClinVar variation 4980551 (VCV004980551.1).

ClinVar aggregate classification (germline): Likely benign (1 of 4 stars; one submission).

Conditions:
LAMB1-related disorder. Also called: LAMB1-related condition.

gnomAD v4.1: 326 of 1,614,010 alleles (0.02%); highest among the groups gnomAD compares: South Asian, 0.33%; 6 homozygotes.

Submission:

PreventionGenetics, part of Exact Sciences
Classification: Likely benign for LAMB1-related condition. Last evaluated: 2024-11-26. Review status: criteria provided, single submitter. Criteria: ACMG Guidelines, 2015. Collection method: clinical testing. Allele origin: germline.
Comment: This variant is classified as likely benign based on ACMG/AMP sequence variant interpretation guidelines (Richards et al. 2015 PMID: 25741868, with internal and published modifications).